The following is an entry in ClinVar:

ClinVar aggregate classification (germline): Pathogenic. Review status: criteria provided, single submitter (1 of 4 stars). 2 submissions from 2 submitters: Pathogenic (1). 1 of the submissions does not count toward it. Last evaluated 2023-06-20.

Conditions:
Hereditary breast ovarian cancer syndrome. Also called: Breast and ovarian cancer; Hereditary breast and/or ovarian cancer syndrome; Hereditary breast and ovarian cancer syndrome (HBOC); Hereditary breast and ovarian cancer syndrome; BRCA1- and BRCA2-Associated Hereditary Breast and Ovarian Cancer; Hereditary breast and ovarian cancer. Identifiers: Orphanet 145, MedGen C0677776, MeSH D061325, MONDO:0003582. Disease mechanism: loss of function.
Gastric cancer. Also called: Malignant tumor of stomach; Stomach cancer. Identifiers: MedGen C0024623, MeSH D013274, MONDO:0001056, OMIM 613659, HP:0012126.

Submissions (2):

Labcorp Genetics (formerly Invitae), Labcorp
Classification: Pathogenic for Hereditary breast ovarian cancer syndrome. Last evaluated: 2023-06-20. Review status: criteria provided, single submitter. Criteria: Invitae Variant Classification Sherloc (09022015). Collection method: clinical testing. Allele origin: germline.
Comment: For these reasons, this variant has been classified as Pathogenic. ClinVar contains an entry for this variant (Variation ID: 1801590). This premature translational stop signal has been observed in individual(s) with prostate cancer (PMID: 31214711). This variant is not present in population databases (gnomAD no frequency). This sequence change creates a premature translational stop signal (p.Thr1867Tyrfs*6) in the BRCA2 gene. It is expected to result in an absent or disrupted protein product. Loss-of-function variants in BRCA2 are known to be pathogenic (PMID: 20104584).

Laboratory for Genotyping Development, RIKEN
Classification: Pathogenic for Gastric cancer. Last evaluated: 2021-07-01. Review status: no assertion criteria provided. Collection method: research. Allele origin: germline. Not counted in ClinVar's aggregate classification.

Literature cited by the submitters: PubMed 31214711 (cited by Labcorp Genetics (formerly Invitae), Labcorp); PubMed 20104584 (cited by Labcorp Genetics (formerly Invitae), Labcorp); PubMed 36988593 (cited by Laboratory for Genotyping Development, RIKEN).

NM_000059.4(BRCA2):c.5598dup (p.Thr1867fs)

Gene: BRCA2 (BRCA2 DNA repair associated; plus strand). Cytogenetic location: 13q13.1.
Variant type: Duplication.
Coding change: c.5598dup on transcript NM_000059.4 (MANE Select); coding-DNA position 5598, one base duplicated (T; older notation c.5598dupT).
Protein change: p.Thr1867fs; shifts the reading frame from threonine 1867.
Molecular consequence: frameshift variant.
Genome position (GRCh38, 1-based): chr13:32,339,953, T duplicated; the last of 3 consecutive T bases (chr13:32,339,951-32,339,953); duplicating any one gives the same sequence. VCF-style (leftmost placement, unchanged base first): chr13-32339950-A-AT. GRCh37 (hg19) VCF-style: chr13-32914087-A-AT.
Other names: c.5598dup, p.Thr1867Tyrfs (NM_001406719.1, NM_001406720.1); short protein forms T1867fs.
Identifiers: ClinVar variation 1801590 (VCV001801590.4), dbSNP rs2548531234, ClinGen allele CA2580087617.
Genomic context (GRCh38, chr13:32,339,950, plus strand): 5'-GATAGCCAGTGGTAAAATCGTTTGTGTTTCACATGAAACAATTAAAAAAGTGAAAGACAT[A>AT]TTTACAGACAGTTTCAGTAAAGTAATTAAGGAAAACAACGAGAATAAATCAAAAATTTGC-3'